The following is an entry in ClinVar:

ClinVar aggregate classification (germline): Uncertain significance (1 of 4 stars; one submission).

Allele frequency attached by ClinVar (database versions not stated): TOPMed below 0.00001; gnomAD 0.00001; gnomAD exomes 0.00001.
gnomAD v4.1: 22 of 1,613,936 alleles (0.0014%); highest among the groups gnomAD compares: Non-Finnish European, 0.0018%; no homozygotes.

Submission:

Ambry Genetics
Classification: Uncertain significance. Last evaluated: 2021-11-14. Review status: criteria provided, single submitter. Criteria: Ambry Variant Classification Scheme 2023. Collection method: clinical testing. Allele origin: germline.
Comment: The p.S119G variant (also known as c.355A>G), located in coding exon 4 of the BUB1 gene, results from an A to G substitution at nucleotide position 355. The serine at codon 119 is replaced by glycine, an amino acid with similar properties. This amino acid position is conserved. In addition, this alteration is predicted to be tolerated by in silico analysis. Since supporting evidence is limited at this time, the clinical significance of this alteration remains unclear.

NM_004336.5(BUB1):c.355A>G (p.Ser119Gly)

Gene: BUB1 (BUB1 mitotic checkpoint serine/threonine kinase; minus strand). Cytogenetic location: 2q13.
Variant type: single nucleotide variant.
Coding change: c.355A>G on transcript NM_004336.5 (MANE Select); coding-DNA position 355, A replaced by G.
Protein change: p.Ser119Gly; replaces serine 119 with glycine.
Molecular consequence: missense variant.
Genome position (GRCh38, 1-based): chr2:110,672,728, T>C on the plus strand (A>G on the coding strand, the complement: BUB1 is on the minus strand). VCF-style: chr2-110672728-T-C. GRCh37 (hg19) VCF-style: chr2-111430305-T-C.
Other names: c.295A>G, p.Ser99Gly (NM_001278616.2); c.355A>G, p.Ser119Gly (NM_001278617.2); short protein forms S99G, S119G.
Identifiers: ClinVar variation 1732675 (VCV001732675.2), dbSNP rs1411964638, ClinGen allele CA348220474.